The following is an entry in ClinVar:

NM_012233.3(RAB3GAP1):c.1992G>A (p.Ser664=)

Gene: RAB3GAP1 (RAB3 GTPase activating protein catalytic subunit 1; plus strand). Cytogenetic location: 2q21.3.
Variant type: single nucleotide variant.
Coding change: c.1992G>A on transcript NM_012233.3 (MANE Select); coding-DNA position 1992, G replaced by A.
Protein change: p.Ser664=; no amino-acid change (serine 664 retained).
Molecular consequence: synonymous variant.
Genome position (GRCh38, 1-based): chr2:135,150,437, G>A. VCF-style: chr2-135150437-G-A. GRCh37 (hg19) VCF-style: chr2-135908007-G-A.
Other names: p.Ser664=; c.1992G>A, p.Ser664= (NM_001172435.2); c.1992G>A (NM_001172435.1).
Identifiers: ClinVar variation 130065 (VCV000130065.23), dbSNP rs7595725, ClinGen allele CA154836.

ClinVar aggregate classification (germline): Benign. Review status: criteria provided, multiple submitters, no conflicts (2 of 4 stars). 8 submissions from 8 submitters: Benign (6). 2 of the submissions do not count toward it. Last evaluated 2026-01-27.

Conditions:
RAB3GAP1-related disorder. Also called: RAB3GAP1-related disorders; RAB3GAP1-related condition.
Warburg micro syndrome 1 (WARBM1). Identifiers: Orphanet 2510, MedGen C1838625, MONDO:0010822, OMIM 600118.

Allele frequency attached by ClinVar (database versions not stated): gnomAD exomes 0.00302 and 0.00745; ExAC 0.00871; gnomAD 0.02736 and 0.02952; 1000 Genomes Project 0.02855; 1000 Genomes Project 30x 0.02904; TOPMed 0.03100; ESP Exome Variant Server 0.03129.
gnomAD v4.1: 8,813 of 1,614,136 alleles (0.55%); highest among the groups gnomAD compares: African/African-American, 9.6%; 352 homozygotes.

Submissions (8):

Labcorp Genetics (formerly Invitae), Labcorp
Classification: Benign. Last evaluated: 2026-01-27. Review status: criteria provided, single submitter. Criteria: Invitae Variant Classification Sherloc (09022015). Collection method: clinical testing. Allele origin: germline.

Athena Diagnostics
Classification: Benign. Last evaluated: 2024-09-30. Review status: criteria provided, single submitter. Criteria: Athena Diagnostics Criteria. Collection method: clinical testing. Allele origin: unknown.

Mayo Clinic Laboratories, Mayo Clinic
Classification: Benign. Last evaluated: 2023-02-04. Review status: criteria provided, single submitter. Criteria: ACMG Guidelines, 2015. Collection method: clinical testing. Allele origin: germline. Observed: 22 variant alleles.

Illumina Laboratory Services, Illumina
Classification: Benign for Warburg micro syndrome 1. Last evaluated: 2018-01-13. Review status: criteria provided, single submitter. Criteria: ICSL Variant Classification Criteria 13 December 2019. Collection method: clinical testing. Allele origin: germline.
Comment: This variant was observed in the ICSL laboratory as part of a predisposition screen in an ostensibly healthy population. It had not been previously curated by ICSL or reported in the Human Gene Mutation Database (HGMD: prior to June 1st, 2018), and was therefore a candidate for classification through an automated scoring system. Utilizing variant allele frequency, disease prevalence and penetrance estimates, and inheritance mode, an automated score was calculated to assess if this variant is too frequent to cause the disease. Based on the score and internal cut-off values, a variant classified as benign is not then subjected to further curation. The score for this variant resulted in a classification of benign for this disease.

GeneDx
Classification: Benign. Last evaluated: 2016-05-06. Review status: criteria provided, single submitter. Criteria: GeneDx Variant Classification (06012015). Collection method: clinical testing. Allele origin: germline. Affected: yes.
Comment: This variant is considered likely benign or benign based on one or more of the following criteria: it is a conservative change, it occurs at a poorly conserved position in the protein, it is predicted to be benign by multiple in silico algorithms, and/or has population frequency not consistent with disease.

Breakthrough Genomics
Classification: Benign. Review status: criteria provided, single submitter. Criteria: ACMG Guidelines, 2015. Collection method: not provided. Allele origin: germline. Inheritance: Autosomal recessive inheritance. Affected: yes.

PreventionGenetics, part of Exact Sciences
Classification: Benign for RAB3GAP1-related condition. Last evaluated: 2019-05-08. Review status: no assertion criteria provided. Collection method: clinical testing. Allele origin: germline. Not counted in ClinVar's aggregate classification.
Comment: This variant is classified as benign based on ACMG/AMP sequence variant interpretation guidelines (Richards et al. 2015 PMID: 25741868, with internal and published modifications).

Genetic Services Laboratory, University of Chicago
Classification: Likely benign for AllHighlyPenetrant. Review status: no assertion criteria provided. Collection method: clinical testing. Allele origin: germline. Inheritance: Autosomal recessive inheritance. Not counted in ClinVar's aggregate classification.
Comment: Likely benign based on allele frequency in 1000 Genomes Project or ESP global frequency and its presence in a patient with a rare or unrelated disease phenotype. NOT Sanger confirmed.